The following is an entry in ClinVar:

ClinVar aggregate classification (germline): Pathogenic (1 of 4 stars; one submission).

Conditions:
Hypertrophic cardiomyopathy. Also called: HYPERTROPHIC MYOCARDIOPATHY. Identifiers: Orphanet 217569, MedGen C0007194, MeSH D002312, MONDO:0005045, HP:0001639.

Submission:

Labcorp Genetics (formerly Invitae), Labcorp
Classification: Pathogenic for Hypertrophic cardiomyopathy. Last evaluated: 2024-11-10. Review status: criteria provided, single submitter. Criteria: Invitae Variant Classification Sherloc (09022015). Collection method: clinical testing. Allele origin: germline.
Comment: This sequence change affects a donor splice site in intron 1 of the MYBPC3 gene. It is expected to disrupt RNA splicing. Variants that disrupt the donor or acceptor splice site typically lead to a loss of protein function (PMID: 16199547), and loss-of-function variants in MYBPC3 are known to be pathogenic (PMID: 19574547). This variant is not present in population databases (gnomAD no frequency). Disruption of this splice site has been observed in individuals with hypertrophic cardiomyopathy (PMID: 27532257, 28615295). ClinVar contains an entry for this variant (Variation ID: 2798109). For these reasons, this variant has been classified as Pathogenic.

Literature cited by the submitters: PubMed 16199547; PubMed 19574547; PubMed 27532257; PubMed 28615295.

NM_000256.3(MYBPC3):c.25+1G>C

Gene: MYBPC3 (myosin binding protein C3; minus strand). Cytogenetic location: 11p11.2.
Variant type: single nucleotide variant.
Coding change: c.25+1G>C on transcript NM_000256.3 (MANE Select); the canonical splice donor site of the intron after coding-DNA position 25, G replaced by C.
Molecular consequence: splice donor variant.
Genome position (GRCh38, 1-based): chr11:47,352,622, C>G on the plus strand (G>C on the coding strand, the complement: MYBPC3 is on the minus strand). VCF-style: chr11-47352622-C-G. GRCh37 (hg19) VCF-style: chr11-47374173-C-G.
Identifiers: ClinVar variation 2798109 (VCV002798109.3), dbSNP rs113709679, ClinGen allele CA380342697.